The following is an entry in ClinVar:

ClinVar aggregate classification (germline): Conflicting classifications of pathogenicity. Review status: criteria provided, conflicting classifications (1 of 4 stars). 2 submissions from 2 submitters: Likely pathogenic (1); Uncertain significance (1). Last evaluated 2025-04-07.

Submissions (2):

GeneDx
Classification: Likely pathogenic. Last evaluated: 2025-04-07. Review status: criteria provided, single submitter. Criteria: GeneDx Variant Classification Process June 2021. Collection method: clinical testing. Allele origin: germline. Affected: yes.
Comment: Not observed at significant frequency in large population cohorts (gnomAD); In-frame deletion of 1 amino acid in a non-repeat region; In silico analysis supports a deleterious effect on protein structure/function; Has not been previously published as pathogenic or benign to our knowledge

Athena Diagnostics
Classification: Uncertain significance. Last evaluated: 2021-10-04. Review status: criteria provided, single submitter. Criteria: Athena Diagnostics Criteria. Collection method: clinical testing. Allele origin: unknown.

NM_001127222.2(CACNA1A):c.967CTC[1] (p.Leu324del)

Gene: CACNA1A (calcium voltage-gated channel subunit alpha1 A; minus strand). Cytogenetic location: 19p13.13.
Variant type: Microsatellite.
Coding change: c.967CTC[1] on transcript NM_001127222.2 (MANE Select); one copy of the 3-base unit CTC starting at c.967; the reference has two copies in a row; one copy, 3 bases deleted.
Protein change: p.Leu324del; deletes leucine 324.
Molecular consequence: inframe deletion. On other transcripts: inframe indel (1).
Genome position (GRCh38, 1-based): chr19:13,359,612-13,359,614, GAG deleted on the plus strand (CTC on the coding strand, the reverse complement: CACNA1A is on the minus strand); deleting any 3 consecutive bases within chr19:13,359,612-13,359,617 gives the same sequence; the position shown is the placement nearest the transcript's 3' end. VCF-style (leftmost placement, unchanged base first): chr19-13359611-AGAG-A. GRCh37 (hg19) VCF-style: chr19-13470425-AGAG-A.
Other names: c.970_972del (NM_001127221.1); c.967CTC[1], p.Leu324del (NM_000068.4, NM_001127221.2, NM_001174080.2 and 1 more transcripts); c.967_969CTC[1], p.Leu324del (NM_001127221.1); short protein forms L324del.
Identifiers: ClinVar variation 1806843 (VCV001806843.2), dbSNP rs2513151702, ClinGen allele CA2576643079.